The following is an entry in ClinVar:

NM_194248.3(OTOF):c.1116C>T (p.Tyr372=)

Gene: OTOF (otoferlin; minus strand). Cytogenetic location: 2p23.3.
Variant type: single nucleotide variant.
Coding change: c.1116C>T on transcript NM_194248.3 (MANE Select); coding-DNA position 1116, C replaced by T.
Protein change: p.Tyr372=; no amino-acid change (tyrosine 372 retained).
Molecular consequence: synonymous variant.
Genome position (GRCh38, 1-based): chr2:26,484,563, G>A on the plus strand (C>T on the coding strand, the complement: OTOF is on the minus strand). VCF-style: chr2-26484563-G-A. GRCh37 (hg19) VCF-style: chr2-26707431-G-A.
Other names: c.1116C>T, p.Tyr372= (NM_001287489.2).
Identifiers: ClinVar variation 48164 (VCV000048164.9), dbSNP rs147595264, ClinGen allele CA142730.
Genomic context (GRCh38, chr2:26,484,563, plus strand): 5'-GGCCTTGTGGGGCGTCTTGATGTTGTCCCCTTTGCCCACCACGGCAACGTCACACTTCAC[G>A]TAGCCCTTCAGCCCCGAGGAGATGTCATCGGGGTCAGACAGGATGGCCCACTTGTGATGG-3'
Protein context (NP_919224.1, residues 362-382): PDDISSGLKG[Tyr372=]VKCDVAVVGK

ClinVar aggregate classification (germline): Likely benign. Review status: criteria provided, multiple submitters, no conflicts (2 of 4 stars). 2 submissions from 2 submitters: Likely benign (2). Last evaluated 2026-01-26.

Allele frequency attached by ClinVar (database versions not stated): gnomAD exomes 0.00004 and 0.00011; ExAC 0.00011; gnomAD 0.00040 and 0.00044; TOPMed 0.00049; ESP Exome Variant Server 0.00062.
gnomAD v4.1: 139 of 1,613,960 alleles (0.0086%); highest among the groups gnomAD compares: African/African-American, 0.14%; 3 homozygotes.

Submissions (2):

Labcorp Genetics (formerly Invitae), Labcorp
Classification: Likely benign. Last evaluated: 2026-01-26. Review status: criteria provided, single submitter. Criteria: Invitae Variant Classification Sherloc (09022015). Collection method: clinical testing. Allele origin: germline.

Laboratory for Molecular Medicine, Mass General Brigham Personalized Medicine
Classification: Likely benign. Last evaluated: 2012-04-30. Review status: criteria provided, single submitter. Criteria: LMM Criteria. Collection method: clinical testing. Allele origin: germline. Observed: 2 variant alleles.
Comment: Tyr372Tyr in Exon 12 of OTOF: This variant is not expected to have clinical sign ificance because it does not alter an amino acid residue, is not located within the splice consensus sequence, and has been identified in 0.2% (8/3738) of Afric an American chromosomes from a broad population by the NHLBI Exome Sequencing Pr oject (dbSNP rs147595264).